The following is an entry in ClinVar:

NM_198253.3(TERT):c.2154C>A (p.Asp718Glu)

Gene: TERT (telomerase reverse transcriptase; minus strand). Cytogenetic location: 5p15.33.
Variant type: single nucleotide variant.
Coding change: c.2154C>A on transcript NM_198253.3 (MANE Select); coding-DNA position 2154, C replaced by A.
Protein change: p.Asp718Glu; replaces aspartic acid 718 with glutamic acid.
Molecular consequence: missense variant. On other transcripts: non-coding transcript variant (1).
Genome position (GRCh38, 1-based): chr5:1,278,773, G>T on the plus strand (C>A on the coding strand, the complement: TERT is on the minus strand). VCF-style: chr5-1278773-G-T. GRCh37 (hg19) VCF-style: chr5-1278888-G-T.
Other names: c.2154C>A, p.Asp718Glu (NM_001193376.3, NM_003219.1); short protein forms D718E.
Identifiers: ClinVar variation 2931842 (VCV002931842.3), dbSNP rs377437136, ClinGen allele CA359079654.

ClinVar aggregate classification (germline): Uncertain significance (1 of 4 stars; one submission).

Conditions:
Idiopathic Pulmonary Fibrosis. Also called: Idiopathic fibrosing alveolitis, chronic form; idiopathic fibrosing alveolitis. Identifiers: Orphanet 2032, MedGen C1800706, MeSH D054990, MONDO:0800504.
Dyskeratosis congenita, autosomal dominant 2. Identifiers: MedGen C3151443, MONDO:0013521, OMIM 613989.

Submission:

Labcorp Genetics (formerly Invitae), Labcorp
Classification: Uncertain significance for Dyskeratosis congenita, autosomal dominant 2; Idiopathic Pulmonary Fibrosis. Last evaluated: 2023-05-11. Review status: criteria provided, single submitter. Criteria: Invitae Variant Classification Sherloc (09022015). Collection method: clinical testing. Allele origin: germline.
Comment: In summary, the available evidence is currently insufficient to determine the role of this variant in disease. Therefore, it has been classified as a Variant of Uncertain Significance. Advanced modeling of protein sequence and biophysical properties (such as structural, functional, and spatial information, amino acid conservation, physicochemical variation, residue mobility, and thermodynamic stability) performed at Invitae indicates that this missense variant is expected to disrupt TERT protein function. This missense change has been observed in individual(s) with aplastic anemia (PMID: 30523342). This variant is not present in population databases (gnomAD no frequency). This sequence change replaces aspartic acid, which is acidic and polar, with glutamic acid, which is acidic and polar, at codon 718 of the TERT protein (p.Asp718Glu).

Literature cited by the submitters: PubMed 30523342.